The following is an entry in ClinVar:

ClinVar aggregate classification (germline): Uncertain significance (1 of 4 stars; one submission).

Submission:

Labcorp Genetics (formerly Invitae), Labcorp
Classification: Uncertain significance. Last evaluated: 2023-05-30. Review status: criteria provided, single submitter. Criteria: Invitae Variant Classification Sherloc (09022015). Collection method: clinical testing. Allele origin: germline.
Comment: This sequence change replaces histidine, which is basic and polar, with proline, which is neutral and non-polar, at codon 498 of the DNM1L protein (p.His498Pro). In summary, the available evidence is currently insufficient to determine the role of this variant in disease. Therefore, it has been classified as a Variant of Uncertain Significance. An algorithm developed to predict the effect of missense changes on protein structure and function (PolyPhen-2) suggests that this variant is likely to be disruptive. This variant has not been reported in the literature in individuals affected with DNM1L-related conditions. This variant is not present in population databases (gnomAD no frequency).

NM_012062.5(DNM1L):c.1493A>C (p.His498Pro)

Gene: DNM1L (dynamin 1 like; plus strand). Cytogenetic location: 12p11.21.
Variant type: single nucleotide variant.
Coding change: c.1493A>C on transcript NM_012062.5 (MANE Select); coding-DNA position 1493, A replaced by C.
Protein change: p.His498Pro; replaces histidine 498 with proline.
Molecular consequence: missense variant.
Genome position (GRCh38, 1-based): chr12:32,733,761, A>C. VCF-style: chr12-32733761-A-C. GRCh37 (hg19) VCF-style: chr12-32886695-A-C.
Other names: c.1493A>C, p.His498Pro (NM_001278463.2, NM_005690.5, NM_012063.4); c.1532A>C, p.His511Pro (NM_001278464.2, NM_001278465.2, NM_001330380.2); c.884A>C, p.His295Pro (NM_001278466.2); short protein forms H498P, H511P, H295P.
Identifiers: ClinVar variation 2749299 (VCV002749299.3), dbSNP rs2541091582, ClinGen allele CA384360203.
Genomic context (GRCh38, chr12:32,733,761, plus strand): 5'-TACTTTTTTTCTAGGTCCATAACTTAGTGGCAATTGAACTGGCTTATATCAACACAAAAC[A>C]TCCAGACTTTGCTGATGCTTGTGGGCTAATGAACAATAATATAGAGGTAAATATAATTCT-3'
Protein context (NP_036192.2, residues 488-508): AIELAYINTK[His498Pro]PDFADACGLM